The following is an entry in ClinVar:

ClinVar aggregate classification (germline): Conflicting classifications of pathogenicity. Review status: criteria provided, conflicting classifications (1 of 4 stars). 4 submissions from 4 submitters: Likely pathogenic (1); Uncertain significance (3). Last evaluated 2026-03-13.

Conditions:
PCSK1-related disorder. Also called: PCSK1-related condition.
Obesity due to prohormone convertase I deficiency. Also called: OBESITY AND ENDOCRINOPATHY DUE TO IMPAIRED PROCESSING OF PROHORMONES. Identifiers: Orphanet 71528, MedGen C1833053, MONDO:0010961, OMIM 600955.
Early onset severe obesity. Identifiers: MedGen C4013980.

Allele frequency attached by ClinVar (database versions not stated): gnomAD exomes 0.00015; TOPMed 0.00015; gnomAD 0.00016 and 0.00017; ExAC 0.00017; ESP Exome Variant Server 0.00023; 1000 Genomes Project 0.00040; 1000 Genomes Project 30x 0.00062.
gnomAD v4.1: 126 of 1,611,412 alleles (0.0078%); highest among the groups gnomAD compares: Admixed American, 0.05%; no homozygotes.

Submissions (4):

PreventionGenetics, part of Exact Sciences
Classification: Likely pathogenic for PCSK1-related condition. Last evaluated: 2026-03-13. Review status: criteria provided, single submitter. Criteria: ACMG Guidelines, 2015. Collection method: clinical testing. Allele origin: germline.
Comment: The PCSK1 c.524C>T variant is predicted to result in the amino acid substitution p.Thr175Met. This variant has been reported in the heterozygous state in several individuals with obesity (Creemers et al. 2012. PubMed ID: 22210313; Bonnefond et al. 2014. PubMed ID: 24041679). Furthermore, functional studies suggest that this variant affects normal protein function (Creemers et al. 2012. PubMed ID: 22210313; Stijnen et al. 2016. PubMed ID: 26786350; Table S1, Shah et al. 2023. PubMed ID: 36864747; Folon et al. 2023. PubMed ID: 36822744). This variant is reported in 0.072% of alleles in individuals of Latino descent in gnomAD. This variant is interpreted as likely pathogenic.

GeneDx
Classification: Uncertain significance. Last evaluated: 2024-08-27. Review status: criteria provided, single submitter. Criteria: GeneDx Variant Classification Process June 2021. Collection method: clinical testing. Allele origin: germline. Affected: yes.
Comment: Reported as a single heterozygous variant in at least one individual with obesity, but familial segregation information was not provided (PMID: 22210313, 24041679); Published functional studies demonstrate a damaging effect: prolonged intracellular retention (PMID: 26786350); In silico analysis supports that this missense variant has a deleterious effect on protein structure/function; This variant is associated with the following publications: (PMID: 26786350, 36822744, 22210313, 24041679)

Cambridge Genomics Laboratory, East Genomic Laboratory Hub, NHS Genomic Medicine Service
Classification: Uncertain significance for Severe early-onset obesity. Last evaluated: 2023-11-21. Review status: criteria provided, single submitter. Criteria: ACGS Best Practice Guidelines for Variant Classification in Rare Disease 2020. Collection method: clinical testing. Allele origin: germline. Affected: yes.
Comment: There are no benign variants within 3 amino acid positions of the variant p.Thr175Met. (PM1 - Moderate) | The p.Thr175Met missense variant is predicted to be damaging by both SIFT and PolyPhen2. The threonine residue at codon 175 of PCSK1 is conserved in all mammalian species. The nucleotide c.524 in PCSK1 is predicted conserved by GERP++ and PhyloP across 100 vertebrates. (PP3 - Supporting) | Functional studies demonstrate that this variant has a damaging effect on the gene or gene product (PS3_Supporting - Supporting)

Illumina Laboratory Services, Illumina
Classification: Uncertain significance for Obesity due to prohormone convertase I deficiency. Last evaluated: 2017-04-28. Review status: criteria provided, single submitter. Criteria: ICSL Variant Classification Criteria 13 December 2019. Collection method: clinical testing. Allele origin: germline.
Comment: This variant was observed as part of a predisposition screen in an ostensibly healthy population. A literature search was performed for the gene, cDNA change, and amino acid change (where applicable). Publications were found based on this search. However, the evidence from the literature, in combination with allele frequency data from public databases where available, was not sufficient to rule this variant in or out of causing disease. Therefore, this variant is classified as a variant of unknown significance.

Literature cited by the submitters: PubMed 26786350 (cited by Illumina Laboratory Services, Illumina); PubMed 24041679 (cited by Illumina Laboratory Services, Illumina); PubMed 22210313 (cited by Illumina Laboratory Services, Illumina); PubMed 23383060 (cited by Illumina Laboratory Services, Illumina).

NM_000439.5(PCSK1):c.524C>T (p.Thr175Met)

Genes: CAST (calpastatin; plus strand), PCSK1 (proprotein convertase subtilisin/kexin type 1; minus strand), LOC101929710 (uncharacterized LOC101929710; plus strand). Cytogenetic location: 5q15.
Variant type: single nucleotide variant.
Coding change: c.524C>T on transcript NM_000439.5 (MANE Select); coding-DNA position 524, C replaced by T.
Protein change: p.Thr175Met; replaces threonine 175 with methionine.
Molecular consequence: missense variant.
Genome position (GRCh38, 1-based): chr5:96,423,332, G>A on the plus strand (C>T on the coding strand, the complement: PCSK1 is on the minus strand). VCF-style: chr5-96423332-G-A. GRCh37 (hg19) VCF-style: chr5-95759036-G-A.
Other names: c.383C>T, p.Thr128Met (NM_001177875.2); short protein forms T128M, T175M.
Identifiers: ClinVar variation 906973 (VCV000906973.10), dbSNP rs140520429, ClinGen allele CA3350468.